The following is an entry in ClinVar:

NM_001330260.2(SCN8A):c.1660C>T (p.Pro554Ser)

Gene: SCN8A (sodium voltage-gated channel alpha subunit 8; plus strand). Cytogenetic location: 12q13.13.
Variant type: single nucleotide variant.
Coding change: c.1660C>T on transcript NM_001330260.2 (MANE Select); coding-DNA position 1660, C replaced by T.
Protein change: p.Pro554Ser; replaces proline 554 with serine.
Molecular consequence: missense variant.
Genome position (GRCh38, 1-based): chr12:51,721,570, C>T. VCF-style: chr12-51721570-C-T. GRCh37 (hg19) VCF-style: chr12-52115354-C-T.
Other names: c.1660C>T, p.Pro554Ser (NM_001177984.3, NM_001369788.1, NM_014191.4); short protein forms P554S.
Identifiers: ClinVar variation 3769777 (VCV003769777.1).

ClinVar aggregate classification (germline): Uncertain significance (1 of 4 stars; one submission).

Submission:

GeneDx
Classification: Uncertain significance. Last evaluated: 2024-09-17. Review status: criteria provided, single submitter. Criteria: GeneDx Variant Classification Process June 2021. Collection method: clinical testing. Allele origin: germline. Affected: yes.
Comment: Not observed at significant frequency in large population cohorts (gnomAD); In silico analysis indicates that this missense variant does not alter protein structure/function; This substitution is predicted to be within the cytoplasmic loop between the first and second homologous domains; Has not been previously published as pathogenic or benign to our knowledge